The following is an entry in ClinVar:

NM_032043.3(BRIP1):c.3118A>G (p.Lys1040Glu)

Gene: BRIP1 (BRCA1 interacting DNA helicase 1; minus strand). Cytogenetic location: 17q23.2.
Variant type: single nucleotide variant.
Coding change: c.3118A>G on transcript NM_032043.3 (MANE Select); coding-DNA position 3118, A replaced by G.
Protein change: p.Lys1040Glu; replaces lysine 1040 with glutamic acid.
Molecular consequence: missense variant.
Genome position (GRCh38, 1-based): chr17:61,683,928, T>C on the plus strand (A>G on the coding strand, the complement: BRIP1 is on the minus strand). VCF-style: chr17-61683928-T-C. GRCh37 (hg19) VCF-style: chr17-59761289-T-C.
Other names: short protein forms K1040E.
Identifiers: ClinVar variation 929533 (VCV000929533.9), dbSNP rs876659428, ClinGen allele CA400479680.

ClinVar aggregate classification (germline): Uncertain significance. Review status: criteria provided, single submitter (1 of 4 stars). 2 submissions from 2 submitters: Uncertain significance (1). 1 of the submissions does not count toward it. Last evaluated 2021-08-31.

Conditions:
Fanconi anemia complementation group J. Also called: BRIP1-Related Fanconi Anemia. Identifiers: Orphanet 84, MedGen C1836860, MONDO:0012187, OMIM 609054.
Familial cancer of breast. Also called: BREAST CANCER, FAMILIAL; hereditary breast carcinoma; Hereditary breast cancer. Identifiers: Orphanet 227535, MedGen C0346153, MONDO:0016419, OMIM 114480. Disease mechanism: loss of function.

gnomAD v4.1: 2 of 1,614,220 alleles (0.00012%); highest among the groups gnomAD compares: East Asian, 0.0045%; no homozygotes.

Submissions (2):

Labcorp Genetics (formerly Invitae), Labcorp
Classification: Uncertain significance for Familial cancer of breast; Fanconi anemia complementation group J. Last evaluated: 2021-08-31. Review status: criteria provided, single submitter. Criteria: Invitae Variant Classification Sherloc (09022015). Collection method: clinical testing. Allele origin: germline.
Comment: This sequence change replaces lysine with glutamic acid at codon 1040 of the BRIP1 protein (p.Lys1040Glu). The lysine residue is weakly conserved and there is a small physicochemical difference between lysine and glutamic acid. This variant is not present in population databases (ExAC no frequency). This variant has not been reported in the literature in individuals affected with BRIP1-related conditions. Algorithms developed to predict the effect of missense changes on protein structure and function output the following: SIFT: "Tolerated"; PolyPhen-2: "Benign"; Align-GVGD: "Class C0". The glutamic acid amino acid residue is found in multiple mammalian species, which suggests that this missense change does not adversely affect protein function. In summary, the available evidence is currently insufficient to determine the role of this variant in disease. Therefore, it has been classified as a Variant of Uncertain Significance.

Leiden Open Variation Database
Classification: Uncertain significance. Last evaluated: 2019-08-13. Review status: no assertion criteria provided. Collection method: curation. Allele origin: germline. Affected: yes. Not counted in ClinVar's aggregate classification.
Comment: Curator: Arleen D. Auerbach. Submitter to LOVD: Yukihide Momozawa.

Literature cited by the submitters: PubMed 31214711 (cited by Leiden Open Variation Database).